The following is an entry in ClinVar:

NM_003737.4(DCHS1):c.7811G>C (p.Arg2604Pro)

Gene: DCHS1 (dachsous cadherin-related 1; minus strand). Cytogenetic location: 11p15.4.
Variant type: single nucleotide variant.
Coding change: c.7811G>C on transcript NM_003737.4 (MANE Select); coding-DNA position 7811, G replaced by C.
Protein change: p.Arg2604Pro; replaces arginine 2604 with proline.
Molecular consequence: missense variant.
Genome position (GRCh38, 1-based): chr11:6,623,865, C>G on the plus strand (G>C on the coding strand, the complement: DCHS1 is on the minus strand). VCF-style: chr11-6623865-C-G. GRCh37 (hg19) VCF-style: chr11-6645096-C-G.
Other names: short protein forms R2604P.
Identifiers: ClinVar variation 3684097 (VCV003684097.2).
Genomic context (GRCh38, chr11:6,623,865, plus strand): 5'-ACATGCAGCAGCTCAGCTCCAACAGGTGTGTCCTCAGGTACTGTCACACGGTAGGATGCT[C>G]GGGTAAAGACAGGTGGGTTGTCATTGACATCTAGTACAGTGACAGTGACTGGCACGACTG-3'
Protein context (NP_003728.1, residues 2594-2614): DVNDNPPVFT[Arg2604Pro]ASYRVTVPED

ClinVar aggregate classification (germline): Uncertain significance (1 of 4 stars; one submission).

gnomAD v4.1: 4 of 1,610,678 alleles (0.00025%); highest among the groups gnomAD compares: African/African-American, 0.0013%; no homozygotes.

Submission:

Labcorp Genetics (formerly Invitae), Labcorp
Classification: Uncertain significance. Last evaluated: 2024-09-26. Review status: criteria provided, single submitter. Criteria: Invitae Variant Classification Sherloc (09022015). Collection method: clinical testing. Allele origin: germline.
Comment: This sequence change replaces arginine, which is basic and polar, with proline, which is neutral and non-polar, at codon 2604 of the DCHS1 protein (p.Arg2604Pro). This variant is not present in population databases (gnomAD no frequency). This variant has not been reported in the literature in individuals affected with DCHS1-related conditions. Invitae Evidence Modeling of protein sequence and biophysical properties (such as structural, functional, and spatial information, amino acid conservation, physicochemical variation, residue mobility, and thermodynamic stability) indicates that this missense variant is not expected to disrupt DCHS1 protein function with a negative predictive value of 80%. In summary, the available evidence is currently insufficient to determine the role of this variant in disease. Therefore, it has been classified as a Variant of Uncertain Significance.